The following is an entry in ClinVar:

NM_006514.4(SCN10A):c.1867+8C>T

Gene: SCN10A (sodium voltage-gated channel alpha subunit 10; minus strand). Cytogenetic location: 3p22.2.
Variant type: single nucleotide variant.
Coding change: c.1867+8C>T on transcript NM_006514.4 (MANE Select); 8 bases into the intron after coding-DNA position 1867, C replaced by T.
Molecular consequence: intron variant.
Genome position (GRCh38, 1-based): chr3:38,750,065, G>A on the plus strand (C>T on the coding strand, the complement: SCN10A is on the minus strand). VCF-style: chr3-38750065-G-A. GRCh37 (hg19) VCF-style: chr3-38791556-G-A.
Other names: c.1573+8C>T (NM_001293307.2); c.1867+8C>T (NM_001293306.2, NM_006514.3).
Identifiers: ClinVar variation 1617919 (VCV001617919.22), dbSNP rs370354229, ClinGen allele CA2320724.

ClinVar aggregate classification (germline): Likely benign. Review status: criteria provided, multiple submitters, no conflicts (2 of 4 stars). 5 submissions from 5 submitters: Likely benign (5). Last evaluated 2026-07-01.

Conditions:
Brugada syndrome. Also called: Sudden Unexplained Death Syndrome; Sudden unexplained nocturnal death syndrome; Sudden unexpected nocturnal death syndrome; Sudden Unexplained Nocturnal Death Syndrome (SUNDS). Identifiers: Orphanet 130, MedGen C1142166, MONDO:0015263.
Episodic pain syndrome, familial, 2 (FEPS2). Identifiers: Orphanet 306577, MedGen C3809893, MONDO:0014246, OMIM 615551.
SCN10A-related disorder. Also called: SCN10A-related condition.

Allele frequency attached by ClinVar (database versions not stated): gnomAD 0.00001; ESP Exome Variant Server 0.00008; TOPMed 0.00010; gnomAD exomes 0.00011; ExAC 0.00014.
gnomAD v4.1: 111 of 1,510,798 alleles (0.0073%); highest among the groups gnomAD compares: Middle Eastern, 0.034%; no homozygotes.

Submissions (5):

PreventionGenetics, part of Exact Sciences
Classification: Likely benign for SCN10A-related condition. Last evaluated: 2026-07-01. Review status: criteria provided, single submitter. Criteria: ACMG Guidelines, 2015. Collection method: clinical testing. Allele origin: germline.
Comment: This variant is classified as likely benign based on ACMG/AMP sequence variant interpretation guidelines (Richards et al. 2015 PMID: 25741868, with internal and published modifications).

Labcorp Genetics (formerly Invitae), Labcorp
Classification: Likely benign for Brugada syndrome. Last evaluated: 2025-12-02. Review status: criteria provided, single submitter. Criteria: Invitae Variant Classification Sherloc (09022015). Collection method: clinical testing. Allele origin: germline.

CeGaT Center for Human Genetics Tuebingen
Classification: Likely benign. Last evaluated: 2025-05-01. Review status: criteria provided, single submitter. Criteria: CeGaT Center For Human Genetics Tuebingen Variant Classification Criteria Version 2. Collection method: clinical testing. Allele origin: germline. Affected: yes. Observed: 1 variant allele.
Comment: SCN10A: BP4, BS2

Blueprint Genetics
Classification: Likely benign. Last evaluated: 2024-11-06. Review status: criteria provided, single submitter. Criteria: ACMG Guidelines, 2015. Collection method: clinical testing. Allele origin: germline.

Fulgent Genetics
Classification: Likely benign for Episodic pain syndrome, familial, 2. Last evaluated: 2021-09-21. Review status: criteria provided, single submitter. Criteria: ACMG Guidelines, 2015. Collection method: clinical testing. Allele origin: unknown.